The following is an entry in ClinVar:

ClinVar aggregate classification (germline): Uncertain significance. Review status: criteria provided, multiple submitters, no conflicts (2 of 4 stars). 2 submissions from 2 submitters: Uncertain significance (2). Last evaluated 2024-06-01.

gnomAD v4.1: 4 of 1,614,002 alleles (0.00025%); highest among the groups gnomAD compares: South Asian, 0.0022%; no homozygotes.

Submissions (2):

Labcorp Genetics (formerly Invitae), Labcorp
Classification: Uncertain significance. Last evaluated: 2024-06-01. Review status: criteria provided, single submitter. Criteria: Invitae Variant Classification Sherloc (09022015). Collection method: clinical testing. Allele origin: germline.
Comment: This sequence change replaces alanine, which is neutral and non-polar, with threonine, which is neutral and polar, at codon 1016 of the SPECC1L protein (p.Ala1016Thr). This variant is present in population databases (rs770880820, gnomAD 0.002%). This variant has not been reported in the literature in individuals affected with SPECC1L-related conditions. An algorithm developed to predict the effect of missense changes on protein structure and function (PolyPhen-2) suggests that this variant is likely to be disruptive. In summary, the available evidence is currently insufficient to determine the role of this variant in disease. Therefore, it has been classified as a Variant of Uncertain Significance.

GeneDx
Classification: Uncertain significance. Last evaluated: 2023-05-02. Review status: criteria provided, single submitter. Criteria: GeneDx Variant Classification Process June 2021. Collection method: clinical testing. Allele origin: germline. Affected: yes.
Comment: Not observed at significant frequency in large population cohorts (gnomAD); In silico analysis supports that this missense variant has a deleterious effect on protein structure/function; Has not been previously published as pathogenic or benign to our knowledge; This variant is associated with the following publications: (PMID: 35454887)

NM_015330.6(SPECC1L):c.3046G>A (p.Ala1016Thr)

Genes: SPECC1L (sperm antigen with calponin homology and coiled-coil domains 1 like; plus strand), SPECC1L-ADORA2A (SPECC1L-ADORA2A readthrough (NMD candidate); plus strand). Cytogenetic location: 22q11.23.
Variant type: single nucleotide variant.
Coding change: c.3046G>A on transcript NM_015330.6 (MANE Select); coding-DNA position 3046, G replaced by A.
Protein change: p.Ala1016Thr; replaces alanine 1016 with threonine.
Molecular consequence: missense variant. On other transcripts: non-coding transcript variant (1).
Genome position (GRCh38, 1-based): chr22:24,369,279, G>A. VCF-style: chr22-24369279-G-A. GRCh37 (hg19) VCF-style: chr22-24765247-G-A.
Other names: c.3046G>A, p.Ala1016Thr (NM_001145468.4, NM_001254732.3); c.244G>A, p.Ala82Thr (NM_001254733.2); short protein forms A1016T, A82T.
Identifiers: ClinVar variation 3343205 (VCV003343205.3).